The following is an entry in ClinVar:

NM_000481.4(AMT):c.231G>A (p.Ser77=)

Gene: AMT (aminomethyltransferase; minus strand). Cytogenetic location: 3p21.31.
Variant type: single nucleotide variant.
Coding change: c.231G>A on transcript NM_000481.4 (MANE Select); coding-DNA position 231, G replaced by A.
Protein change: p.Ser77=; no amino-acid change (serine 77 retained).
Molecular consequence: synonymous variant. On other transcripts: non-coding transcript variant (1), intron variant (1).
Genome position (GRCh38, 1-based): chr3:49,422,131, C>T on the plus strand (G>A on the coding strand, the complement: AMT is on the minus strand). VCF-style: chr3-49422131-C-T. GRCh37 (hg19) VCF-style: chr3-49459564-C-T.
Other names: c.231G>A, p.Ser77= (NM_001164710.2, NM_001164712.2); c.90+230G>A (NM_001164711.2).
Identifiers: ClinVar variation 554628 (VCV000554628.16), dbSNP rs779002947, ClinGen allele CA2398442.
Genomic context (GRCh38, chr3:49,422,131, plus strand): 5'-TGATCAGATGGCCAGTGTGCTCCCCTGGCTCACCTGCAGCATATGAGACACGTCAAAGAG[C>T]GAGCAGTGCTGGCGTGTGTGCAGGTGCGAGTCAGTGTGACTGTCCCGGTACTGCACTGGC-3'
Protein context (NP_000472.2, residues 67-87): DSHLHTRQHC[Ser77=]LFDVSHMLQT

ClinVar aggregate classification (germline): Likely benign. Review status: criteria provided, multiple submitters, no conflicts (2 of 4 stars). 5 submissions from 5 submitters: Likely benign (2). 3 of the submissions do not count toward it. Last evaluated 2026-09-01.

Conditions:
Glycine encephalopathy. Also called: Nonketotic hyperglycinemia; Non-ketotic hyperglycinemia. Identifiers: Orphanet 407, MedGen C0751748, MONDO:0011612, HP:0008288.
Glycine encephalopathy 1 (GCE1). Identifiers: MedGen CN376801, MONDO:0958179, OMIM 605899.
AMT-related disorder. Also called: AMT-related condition.

Allele frequency attached by ClinVar (database versions not stated): gnomAD 0.00005; TOPMed 0.00012; ExAC 0.00023; gnomAD exomes 0.00029.
gnomAD v4.1: 99 of 1,613,686 alleles (0.0061%); highest among the groups gnomAD compares: Admixed American, 0.13%; 1 homozygote.

Submissions (5):

CeGaT Center for Human Genetics Tuebingen
Classification: Likely benign. Last evaluated: 2026-09-01. Review status: criteria provided, single submitter. Criteria: CeGaT Center For Human Genetics Tuebingen Variant Classification Criteria Version 2. Collection method: clinical testing. Allele origin: germline. Affected: yes. Observed: 1 variant allele.
Comment: AMT: BP4, BP7

Labcorp Genetics (formerly Invitae), Labcorp
Classification: Likely benign for Glycine encephalopathy. Last evaluated: 2026-01-04. Review status: criteria provided, single submitter. Criteria: Invitae Variant Classification Sherloc (09022015). Collection method: clinical testing. Allele origin: germline.

Natera, Inc.
Classification: Likely benign for Non-ketotic hyperglycinemia. Last evaluated: 2019-12-29. Review status: no assertion criteria provided. Collection method: clinical testing. Allele origin: germline. Not counted in ClinVar's aggregate classification.

PreventionGenetics, part of Exact Sciences
Classification: Likely benign for AMT-related condition. Last evaluated: 2019-05-10. Review status: no assertion criteria provided. Collection method: clinical testing. Allele origin: germline. Not counted in ClinVar's aggregate classification.
Comment: This variant is classified as likely benign based on ACMG/AMP sequence variant interpretation guidelines (Richards et al. 2015 PMID: 25741868, with internal and published modifications).

Counsyl
Classification: Likely benign for Glycine encephalopathy 1. Last evaluated: 2017-10-27. Review status: no assertion criteria provided. Collection method: clinical testing. Allele origin: unknown. Not counted in ClinVar's aggregate classification.